The following is an entry in ClinVar:

ClinVar aggregate classification (germline): Uncertain significance (1 of 4 stars; one submission).

Conditions:
Inborn genetic diseases. Identifiers: MedGen C0950123, MeSH D030342.

Submission:

Ambry Genetics
Classification: Uncertain significance for Inborn genetic diseases. Last evaluated: 2026-01-30. Review status: criteria provided, single submitter. Criteria: Ambry Variant Classification Scheme 2023. Collection method: clinical testing. Allele origin: germline.
Comment: The c.351G>A variant (also known as p.K117K), located in coding exon 3 of the MBD4 gene, results from a G to A substitution at nucleotide position 351. This nucleotide substitution does not change the lysine at codon 117. This nucleotide position is well conserved in available vertebrate species. In silico splice site analysis for this alteration is inconclusive. Based on the available evidence, the clinical significance of this variant remains unclear.

NM_001276270.2(MBD4):c.351G>A (p.Lys117=)

Gene: MBD4 (methyl-CpG binding domain 4, DNA glycosylase; minus strand). Cytogenetic location: 3q21.3.
Variant type: single nucleotide variant.
Coding change: c.351G>A on transcript NM_001276270.2 (MANE Select); coding-DNA position 351, G replaced by A.
Protein change: p.Lys117=; no amino-acid change (lysine 117 retained).
Molecular consequence: synonymous variant. On other transcripts: intron variant (1).
Genome position (GRCh38, 1-based): chr3:129,437,293, C>T on the plus strand (G>A on the coding strand, the complement: MBD4 is on the minus strand). VCF-style: chr3-129437293-C-T. GRCh37 (hg19) VCF-style: chr3-129156136-C-T.
Other names: c.351G>A, p.Lys117= (NM_001276271.2, NM_001276272.2, NM_003925.3); c.247+515G>A (NM_001276273.2).
Identifiers: ClinVar variation 4825700 (VCV004825700.1).
Genomic context (GRCh38, chr3:129,437,293, plus strand): 5'-CTTAAGAGAAGTCTCTCCATTTTTGTGAAGATAATTAGCAAGTGAACTTTTGGATCTGAA[C>T]TTCAGTCCTTGTGGGCTAGAAAATGATATTAAAGGAAACTTACTGCTAGTAAATAGAAGG-3'
Protein context (NP_001263199.1, residues 107-127): DVYFISPQGL[Lys117=]FRSKSSLANY